The following is an entry in ClinVar:

ClinVar aggregate classification (germline): Uncertain significance (1 of 4 stars; one submission).

Allele frequency attached by ClinVar (database versions not stated): gnomAD exomes below 0.00001 and 0.00001; gnomAD 0.00001 and 0.00003; ExAC 0.00002; TOPMed 0.00002; 1000 Genomes Project 0.00040; 1000 Genomes Project 30x 0.00047.

Submission:

Labcorp Genetics (formerly Invitae), Labcorp
Classification: Uncertain significance. Last evaluated: 2021-11-18. Review status: criteria provided, single submitter. Criteria: Invitae Variant Classification Sherloc (09022015). Collection method: clinical testing. Allele origin: germline.
Comment: In summary, the available evidence is currently insufficient to determine the role of this variant in disease. Therefore, it has been classified as a Variant of Uncertain Significance. Algorithms developed to predict the effect of missense changes on protein structure and function are either unavailable or do not agree on the potential impact of this missense change (SIFT: "Deleterious"; PolyPhen-2: "Possibly Damaging"; Align-GVGD: "Class C0"). This sequence change replaces cysteine, which is neutral and slightly polar, with tyrosine, which is neutral and polar, at codon 393 of the CREB3L1 protein (p.Cys393Tyr). This variant is present in population databases (rs536813830, gnomAD 0.02%). This variant has not been reported in the literature in individuals affected with CREB3L1-related conditions.

NM_052854.4(CREB3L1):c.1178G>A (p.Cys393Tyr)

Gene: CREB3L1 (cAMP responsive element binding protein 3 like 1; plus strand). Cytogenetic location: 11p11.2.
Variant type: single nucleotide variant.
Coding change: c.1178G>A on transcript NM_052854.4 (MANE Select); coding-DNA position 1178, G replaced by A.
Protein change: p.Cys393Tyr; replaces cysteine 393 with tyrosine.
Molecular consequence: missense variant.
Genome position (GRCh38, 1-based): chr11:46,317,407, G>A. VCF-style: chr11-46317407-G-A. GRCh37 (hg19) VCF-style: chr11-46338958-G-A.
Other names: short protein forms C393Y.
Identifiers: ClinVar variation 1406587 (VCV001406587.6), dbSNP rs536813830, ClinGen allele CA5961802.